The following is an entry in ClinVar:

NM_033402.5(LRRCC1):c.46A>G (p.Asn16Asp)

Gene: LRRCC1 (leucine rich repeat and coiled-coil centrosomal protein 1; plus strand). Cytogenetic location: 8q21.2.
Variant type: single nucleotide variant.
Coding change: c.46A>G on transcript NM_033402.5 (MANE Select); coding-DNA position 46, A replaced by G.
Protein change: p.Asn16Asp; replaces asparagine 16 with aspartic acid.
Molecular consequence: missense variant. On other transcripts: 5 prime UTR variant (4).
Genome position (GRCh38, 1-based): chr8:85,107,341, A>G. VCF-style: chr8-85107341-A-G. GRCh37 (hg19) VCF-style: chr8-86019576-A-G.
Other names: c.-28A>G (NM_001349636.2); c.-536A>G (NM_001349637.2); c.-466A>G (NM_001349638.2); c.-306A>G (NM_001349639.2); short protein forms N16D.
Identifiers: ClinVar variation 2144038 (VCV002144038.4), dbSNP rs771541384, ClinGen allele CA4794267.

ClinVar aggregate classification (germline): Uncertain significance (1 of 4 stars; one submission).

Allele frequency attached by ClinVar (database versions not stated): gnomAD 0.00001; gnomAD exomes 0.00001; TOPMed 0.00002; ExAC 0.00008.
gnomAD v4.1: 21 of 1,613,614 alleles (0.0013%); highest among the groups gnomAD compares: Non-Finnish European, 0.0018%; no homozygotes.

Submission:

Labcorp Genetics (formerly Invitae), Labcorp
Classification: Uncertain significance. Last evaluated: 2024-11-05. Review status: criteria provided, single submitter. Criteria: Invitae Variant Classification Sherloc (09022015). Collection method: clinical testing. Allele origin: germline.
Comment: This sequence change replaces asparagine, which is neutral and polar, with aspartic acid, which is acidic and polar, at codon 16 of the LRRCC1 protein (p.Asn16Asp). This variant is present in population databases (rs771541384, gnomAD 0.009%). This variant has not been reported in the literature in individuals affected with LRRCC1-related conditions. ClinVar contains an entry for this variant (Variation ID: 2144038). An algorithm developed to predict the effect of missense changes on protein structure and function (PolyPhen-2) suggests that this variant is likely to be tolerated. In summary, the available evidence is currently insufficient to determine the role of this variant in disease. Therefore, it has been classified as a Variant of Uncertain Significance.